The following is an entry in ClinVar:

ClinVar aggregate classification (germline): Uncertain significance (1 of 4 stars; one submission).

Conditions:
Wilms tumor 1 (WT1). Also called: Wilms tumor, somatic. Identifiers: Orphanet 654, MedGen CN033288, MONDO:0008679, OMIM 194070.

Submission:

Labcorp Genetics (formerly Invitae), Labcorp
Classification: Uncertain significance for Wilms tumor 1. Last evaluated: 2022-03-05. Review status: criteria provided, single submitter. Criteria: Invitae Variant Classification Sherloc (09022015). Collection method: clinical testing. Allele origin: germline.
Comment: This variant has not been reported in the literature in individuals affected with GPC3-related conditions. In summary, the available evidence is currently insufficient to determine the role of this variant in disease. Therefore, it has been classified as a Variant of Uncertain Significance. Algorithms developed to predict the effect of missense changes on protein structure and function (SIFT, PolyPhen-2, Align-GVGD) all suggest that this variant is likely to be tolerated. This variant is not present in population databases (gnomAD no frequency). This sequence change replaces glycine, which is neutral and non-polar, with serine, which is neutral and polar, at codon 346 of the GPC3 protein (p.Gly346Ser).

NM_004484.4(GPC3):c.1036G>A (p.Gly346Ser)

Gene: GPC3 (glypican 3; minus strand). Cytogenetic location: Xq26.2.
Variant type: single nucleotide variant.
Coding change: c.1036G>A on transcript NM_004484.4 (MANE Select); coding-DNA position 1036, G replaced by A.
Protein change: p.Gly346Ser; replaces glycine 346 with serine.
Molecular consequence: missense variant.
Genome position (GRCh38, 1-based): chrX:133,700,025, C>T on the plus strand (G>A on the coding strand, the complement: GPC3 is on the minus strand). VCF-style: chrX-133700025-C-T. GRCh37 (hg19) VCF-style: chrX-132834053-C-T.
Other names: c.1105G>A, p.Gly369Ser (NM_001164617.2); c.988G>A, p.Gly330Ser (NM_001164618.2); c.874G>A, p.Gly292Ser (NM_001164619.2); short protein forms G346S, G292S, G330S, G369S.
Identifiers: ClinVar variation 1970493 (VCV001970493.5), dbSNP rs2521161605, ClinGen allele CA414700252.